The following is an entry in ClinVar:

NM_003681.5(PDXK):c.780G>C (p.Val260=)

Gene: PDXK (pyridoxal kinase; plus strand). Cytogenetic location: 21q22.3.
Variant type: single nucleotide variant.
Coding change: c.780G>C on transcript NM_003681.5 (MANE Select); coding-DNA position 780, G replaced by C.
Protein change: p.Val260=; no amino-acid change (valine 260 retained).
Molecular consequence: synonymous variant.
Genome position (GRCh38, 1-based): chr21:43,755,718, G>C. VCF-style: chr21-43755718-G-C. GRCh37 (hg19) VCF-style: chr21-45175599-G-C.
Other names: c.660G>C, p.Val220= (NM_001331030.2).
Identifiers: ClinVar variation 4987017 (VCV004987017.1).

ClinVar aggregate classification (germline): Likely benign (1 of 4 stars; one submission).

Conditions:
PDXK-related disorder. Also called: PDXK-related condition.

gnomAD v4.1: 522 of 1,614,090 alleles (0.032%); highest among the groups gnomAD compares: African/African-American, 0.62%; 3 homozygotes.

Submission:

PreventionGenetics, part of Exact Sciences
Classification: Likely benign for PDXK-related condition. Last evaluated: 2026-04-07. Review status: criteria provided, single submitter. Criteria: ACMG Guidelines, 2015. Collection method: clinical testing. Allele origin: germline.
Comment: This variant is classified as likely benign based on ACMG/AMP sequence variant interpretation guidelines (Richards et al. 2015 PMID: 25741868, with internal and published modifications).